The following is an entry in ClinVar:

ClinVar aggregate classification (germline): Uncertain significance (1 of 4 stars; one submission).

Submission:

Labcorp Genetics (formerly Invitae), Labcorp
Classification: Uncertain significance. Last evaluated: 2022-06-25. Review status: criteria provided, single submitter. Criteria: Invitae Variant Classification Sherloc (09022015). Collection method: clinical testing. Allele origin: germline.
Comment: This variant is not present in population databases (gnomAD no frequency). In summary, the available evidence is currently insufficient to determine the role of this variant in disease. Therefore, it has been classified as a Variant of Uncertain Significance. Algorithms developed to predict the effect of missense changes on protein structure and function are either unavailable or do not agree on the potential impact of this missense change (SIFT: "Tolerated"; PolyPhen-2: "Benign"; Align-GVGD: "Class C35"). This variant has not been reported in the literature in individuals affected with PRPF3-related conditions. This sequence change replaces tyrosine, which is neutral and polar, with asparagine, which is neutral and polar, at codon 411 of the PRPF3 protein (p.Tyr411Asn).

NM_004698.4(PRPF3):c.1231T>A (p.Tyr411Asn)

Gene: PRPF3 (pre-mRNA processing factor 3; plus strand). Cytogenetic location: 1q21.2.
Variant type: single nucleotide variant.
Coding change: c.1231T>A on transcript NM_004698.4 (MANE Select); coding-DNA position 1231, T replaced by A.
Protein change: p.Tyr411Asn; replaces tyrosine 411 with asparagine.
Molecular consequence: missense variant. On other transcripts: non-coding transcript variant (4).
Genome position (GRCh38, 1-based): chr1:150,340,426, T>A. VCF-style: chr1-150340426-T-A. GRCh37 (hg19) VCF-style: chr1-150312902-T-A.
Other names: c.826T>A, p.Tyr276Asn (NM_001350529.1); short protein forms Y411N, Y276N.
Identifiers: ClinVar variation 2010550 (VCV002010550.4), dbSNP rs2525187018, ClinGen allele CA342278250.